The following is an entry in ClinVar:

ClinVar aggregate classification (germline): Uncertain significance (1 of 4 stars; one submission).

Conditions:
Anauxetic dysplasia. Identifiers: Orphanet 93347, MedGen C1846796, MONDO:0011773.

Submission:

Labcorp Genetics (formerly Invitae), Labcorp
Classification: Uncertain significance for Anauxetic dysplasia. Last evaluated: 2021-07-14. Review status: criteria provided, single submitter. Criteria: Invitae Variant Classification Sherloc (09022015). Collection method: clinical testing. Allele origin: germline.
Comment: This variant occurs in the RMRP gene, which encodes an RNA molecule that does not result in a protein product. The frequency data for this variant in the population databases is considered unreliable, as metrics indicate insufficient coverage at this position in the ExAC database. This variant has not been reported in the literature in individuals affected with RMRP-related conditions. Experimental studies and prediction algorithms are not available or were not evaluated, and the functional significance of this variant is currently unknown. In summary, the available evidence is currently insufficient to determine the role of this variant in disease. Therefore, it has been classified as a Variant of Uncertain Significance.

NC_000009.12:g.35658032_35658074dup

Gene: RMRP (RNA component of mitochondrial RNA processing endoribonuclease; minus strand). Cytogenetic location: 9p13.3.
Variant type: Duplication.
Genome position: GRCh38: chr9:35,658,032-35,658,074. GRCh37 (hg19): chr9:35,658,029-35,658,071.
Identifiers: ClinVar variation 966711 (VCV000966711.6), dbSNP rs1823645721, ClinGen allele CA1139660939.
Genomic context (GRCh38, chr9:35,658,031, plus strand): 5'-ACAGAGTCCTCAGTGTGTAGCCTAGGATACAGGCCTTCAGCACGAACCACGTCCTCAGCT[T>TCACAGAGTAGTATTTTATAGCCCTAAAGAAATTGTGTTTTATG]CACAGAGTAGTATTTTATAGCCCTAAAGAAATTGTGTTTTATGATTAGGGTGAGAAAGTT-3'